The following is an entry in ClinVar:

ClinVar aggregate classification (germline): Benign (3 of 4 stars; one submission).

Conditions:
Breast-ovarian cancer, familial, susceptibility to, 1 (BROVCA1). Also called: BRCA1 Hereditary Breast and Ovarian Cancer; OVARIAN CANCER, SUSCEPTIBILITY TO. Identifiers: Orphanet 145, MedGen C2676676, MONDO:0011450, OMIM 604370. Disease mechanism: loss of function.

Allele frequency attached by ClinVar (database versions not stated): gnomAD 0.49315 and 0.49555; TOPMed 0.50139; 1000 Genomes Project 0.54812; 1000 Genomes Project 30x 0.55356.
gnomAD v4.1: 73,161 of 148,878 alleles (49%); highest among the groups gnomAD compares: African/African-American, 82%; 21,201 homozygotes.

Submission:

Evidence-based Network for the Interpretation of Germline Mutant Alleles (ENIGMA)
Classification: Benign for Breast-ovarian cancer, familial 1. Last evaluated: 2015-01-12. Review status: reviewed by expert panel. Criteria: ENIGMA BRCA1/2 Classification Criteria (2015). Collection method: curation. Allele origin: germline.
Comment: Class 1 not pathogenic based on frequency >1% in an outbred sampleset. Frequency 0.3304 (Asian), 0.1321 (African), 0.3681 (European), derived from 1000 genomes (2012-04-30).

NM_007294.4(BRCA1):c.441+1653A>C

Gene: BRCA1 (BRCA1 DNA repair associated; minus strand). Cytogenetic location: 17q21.31.
Variant type: single nucleotide variant.
Coding change: c.441+1653A>C on transcript NM_007294.4 (MANE Select); 1653 bases into the intron after coding-DNA position 441, A replaced by C.
Molecular consequence: intron variant.
Genome position (GRCh38, 1-based): chr17:43,102,469, T>G on the plus strand (A>C on the coding strand, the complement: BRCA1 is on the minus strand). VCF-style: chr17-43102469-T-G. GRCh37 (hg19) VCF-style: chr17-41254486-T-G.
Other names: IVS 7+1653A>C; c.441+1653A>C (NM_001408446.1, NM_001408435.1, NM_001407691.1 and 164 more transcripts); c.231+1653A>C (NM_001408492.1, NM_001407889.1, NM_001408513.1 and 58 more transcripts); c.300+1653A>C (NM_001408468.1, NM_001407842.1, NM_001407749.1 and 99 more transcripts); c.-218-7609A>C (NM_001407966.1, NM_001407967.1); c.60+1653A>C (NM_001407963.1, NM_001407960.1, NM_001407965.1 and 4 more transcripts); c.363+1653A>C (NM_001408413.1, NM_001407660.1, NM_001407661.1 and 21 more transcripts); c.432+1653A>C (NM_001407646.1, NM_001408408.1, NM_001407647.1); and 1 more.
Identifiers: ClinVar variation 209479 (VCV000209479.2), dbSNP rs10445321, ClinGen allele CA276449.